The following is an entry in ClinVar:

ClinVar aggregate classification (germline): Uncertain significance. Review status: criteria provided, multiple submitters, no conflicts (2 of 4 stars). 2 submissions from 2 submitters: Uncertain significance (2). Last evaluated 2026-09-11.

Conditions:
Tuberous sclerosis 1 (TSC1). Identifiers: Orphanet 805, MedGen C1854465, MONDO:0008612, OMIM 191100.
Hereditary cancer-predisposing syndrome. Also called: Hereditary Cancer Syndrome; Hereditary neoplastic syndrome; Neoplastic Syndromes, Hereditary; Tumor predisposition. Identifiers: Orphanet 140162, MedGen C0027672, MeSH D009386, MONDO:0015356.

Submissions (2):

Ambry Genetics
Classification: Uncertain significance for Hereditary cancer-predisposing syndrome. Last evaluated: 2026-09-11. Review status: criteria provided, single submitter. Criteria: Ambry Variant Classification Scheme 2023. Collection method: clinical testing. Allele origin: germline.
Comment: The p.Q743R variant (also known as c.2228A>G), located in coding exon 16 of the TSC1 gene, results from an A to G substitution at nucleotide position 2228. The glutamine at codon 743 is replaced by arginine, an amino acid with highly similar properties. This amino acid position is conserved. In addition, this alteration is predicted to be deleterious by in silico analysis. Based on the available evidence, the clinical significance of this variant remains unclear.

Labcorp Genetics (formerly Invitae), Labcorp
Classification: Uncertain significance for Tuberous sclerosis 1. Last evaluated: 2025-11-05. Review status: criteria provided, single submitter. Criteria: Invitae Variant Classification Sherloc (09022015). Collection method: clinical testing. Allele origin: germline.
Comment: This sequence change replaces glutamine, which is neutral and polar, with arginine, which is basic and polar, at codon 743 of the TSC1 protein (p.Gln743Arg). This variant is not present in population databases (gnomAD no frequency). This variant has not been reported in the literature in individuals affected with TSC1-related conditions. Invitae Evidence Modeling of protein sequence and biophysical properties (such as structural, functional, and spatial information, amino acid conservation, physicochemical variation, residue mobility, and thermodynamic stability) indicates that this missense variant is not expected to disrupt TSC1 protein function with a negative predictive value of 95%. In summary, the available evidence is currently insufficient to determine the role of this variant in disease. Therefore, it has been classified as a Variant of Uncertain Significance.

NM_000368.5(TSC1):c.2228A>G (p.Gln743Arg)

Gene: TSC1 (TSC complex subunit 1; minus strand). Cytogenetic location: 9q34.13.
Variant type: single nucleotide variant.
Coding change: c.2228A>G on transcript NM_000368.5 (MANE Select); coding-DNA position 2228, A replaced by G.
Protein change: p.Gln743Arg; replaces glutamine 743 with arginine.
Molecular consequence: missense variant. On other transcripts: non-coding transcript variant (5).
Genome position (GRCh38, 1-based): chr9:132,902,768, T>C on the plus strand (A>G on the coding strand, the complement: TSC1 is on the minus strand). VCF-style: chr9-132902768-T-C. GRCh37 (hg19) VCF-style: chr9-135778155-T-C.
Other names: c.2225A>G, p.Gln742Arg (NM_001162426.2, NM_001406608.1, NM_001406609.1 and 4 more transcripts); c.2075A>G, p.Gln692Arg (NM_001162427.2, NM_001406610.1); c.1865A>G, p.Gln622Arg (NM_001362177.2, NM_001406614.1, NM_001406615.1 and 5 more transcripts); c.2228A>G, p.Gln743Arg (NM_001406592.1, NM_001406593.1, NM_001406594.1 and 5 more transcripts); c.2072A>G, p.Gln691Arg (NM_001406611.1, NM_001406612.1, NM_001406613.1); c.1277A>G, p.Gln426Arg (NM_001406626.1); c.1274A>G, p.Gln425Arg (NM_001406627.1, NM_001406628.1); c.1175A>G, p.Gln392Arg (NM_001406629.1, NM_001406630.1); and 3 more; short protein forms Q743R, Q426R, Q692R, Q737R, Q742R, Q425R, Q691R, Q392R.
Identifiers: ClinVar variation 4709640 (VCV004709640.3).